The following is an entry in ClinVar:

ClinVar aggregate classification (germline): Uncertain significance (1 of 4 stars; one submission).

Conditions:
Left ventricular noncompaction 1 (LVNC1). Also called: LEFT VENTRICULAR NONCOMPACTION 1 WITH OR WITHOUT CONGENITAL HEART DEFECTS. Identifiers: Orphanet 54260, MedGen C1858725, MONDO:0011403, OMIM 604169.

Allele frequency attached by ClinVar (database versions not stated): gnomAD exomes below 0.00001; TOPMed below 0.00001; gnomAD 0.00001.
gnomAD v4.1: 2 of 1,614,082 alleles (0.00012%); highest among the groups gnomAD compares: African/African-American, 0.0013%; no homozygotes.

Submission:

Labcorp Genetics (formerly Invitae), Labcorp
Classification: Uncertain significance for Left ventricular noncompaction 1. Last evaluated: 2018-12-07. Review status: criteria provided, single submitter. Criteria: Invitae Variant Classification Sherloc (09022015). Collection method: clinical testing. Allele origin: germline.
Comment: In summary, the available evidence is currently insufficient to determine the role of this variant in disease. Therefore, it has been classified as a Variant of Uncertain Significance. Algorithms developed to predict the effect of missense changes on protein structure and function are either unavailable or do not agree on the potential impact of this missense change (SIFT: "Deleterious"; PolyPhen-2: "Possibly Damaging"; Align-GVGD: "Class C0"). This variant has not been reported in the literature in individuals with DTNA-related conditions. This variant is not present in population databases (ExAC no frequency). This sequence change replaces glutamic acid with glycine at codon 503 of the DTNA protein (p.Glu503Gly). The glutamic acid residue is moderately conserved and there is a moderate physicochemical difference between glutamic acid and glycine.

NM_001386795.1(DTNA):c.1598A>G (p.Glu533Gly)

Gene: DTNA (dystrobrevin alpha; plus strand). Cytogenetic location: 18q12.1.
Variant type: single nucleotide variant.
Coding change: c.1598A>G on transcript NM_001386795.1 (MANE Select); coding-DNA position 1598, A replaced by G.
Protein change: p.Glu533Gly; replaces glutamic acid 533 with glycine.
Molecular consequence: missense variant.
Genome position (GRCh38, 1-based): chr18:34,858,350, A>G. VCF-style: chr18-34858350-A-G. GRCh37 (hg19) VCF-style: chr18-32438314-A-G.
Other names: c.644A>G, p.Glu215Gly (NM_001198942.1); c.587A>G, p.Glu196Gly (NM_001198943.1); c.473A>G, p.Glu158Gly (NM_001198944.1); c.767A>G, p.Glu256Gly (NM_001198945.2); c.1337A>G, p.Glu446Gly (NM_001386753.1, NM_001386763.1, NM_001386764.1 and 9 more transcripts); c.1427A>G, p.Glu476Gly (NM_001386754.1, NM_001386755.1, NM_001386756.1 and 4 more transcripts); c.1424A>G, p.Glu475Gly (NM_001386760.1); c.1346A>G, p.Glu449Gly (NM_001386761.1, NM_032975.4, NM_032979.5); and 7 more; short protein forms E503G, E128G, E215G, E256G, E154G, E158G, E196G, E446G.
Identifiers: ClinVar variation 641320 (VCV000641320.8), dbSNP rs546897344, ClinGen allele CA402175573.